The following is an entry in ClinVar:

ClinVar aggregate classification (germline): Uncertain significance (1 of 4 stars; one submission).

Conditions:
Neurodevelopmental disorder with or without hyperkinetic movements and seizures, autosomal dominant. Also called: Intellectual disability, autosomal dominant 8. Identifiers: MedGen C3280282, MONDO:0013655, OMIM 614254.

gnomAD v4.1: 1 of 1,612,978 alleles (0.000062%); highest among the groups gnomAD compares: Non-Finnish European, 0.000085%; no homozygotes.

Submission:

Labcorp Genetics (formerly Invitae), Labcorp
Classification: Uncertain significance for Neurodevelopmental disorder with or without hyperkinetic movements and seizures, autosomal dominant. Last evaluated: 2025-10-06. Review status: criteria provided, single submitter. Criteria: Invitae Variant Classification Sherloc (09022015). Collection method: clinical testing. Allele origin: germline.
Comment: This sequence change replaces leucine, which is neutral and non-polar, with valine, which is neutral and non-polar, at codon 415 of the GRIN1 protein (p.Leu415Val). This variant is not present in population databases (gnomAD no frequency). This variant has not been reported in the literature in individuals affected with GRIN1-related conditions. ClinVar contains an entry for this variant (Variation ID: 2067182). Invitae Evidence Modeling of protein sequence and biophysical properties (such as structural, functional, and spatial information, amino acid conservation, physicochemical variation, residue mobility, and thermodynamic stability) has been performed for this missense variant. However, the output from this modeling did not meet the statistical confidence thresholds required to predict the impact of this variant on GRIN1 protein function. In summary, the available evidence is currently insufficient to determine the role of this variant in disease. Therefore, it has been classified as a Variant of Uncertain Significance.

NM_007327.4(GRIN1):c.1243C>G (p.Leu415Val)

Gene: GRIN1 (glutamate ionotropic receptor NMDA type subunit 1; plus strand). Cytogenetic location: 9q34.3.
Variant type: single nucleotide variant.
Coding change: c.1243C>G on transcript NM_007327.4 (MANE Select); coding-DNA position 1243, C replaced by G.
Protein change: p.Leu415Val; replaces leucine 415 with valine.
Molecular consequence: missense variant.
Genome position (GRCh38, 1-based): chr9:137,161,101, C>G. VCF-style: chr9-137161101-C-G. GRCh37 (hg19) VCF-style: chr9-140055553-C-G.
Other names: c.1243C>G, p.Leu415Val (NM_000832.7, NM_021569.4); c.1306C>G, p.Leu436Val (NM_001185090.2, NM_001185091.2); short protein forms L436V, L415V.
Identifiers: ClinVar variation 2067182 (VCV002067182.4), dbSNP rs765312689, ClinGen allele CA375715927.